The following is an entry in ClinVar:

ClinVar aggregate classification (germline): Conflicting classifications of pathogenicity. Review status: criteria provided, conflicting classifications (1 of 4 stars). 5 submissions from 5 submitters: Uncertain significance (4); Likely benign (1). Last evaluated 2024-03-28.

Conditions:
Hereditary cancer-predisposing syndrome. Also called: Neoplastic Syndromes, Hereditary; Tumor predisposition; Hereditary neoplastic syndrome; Hereditary Cancer Syndrome. Identifiers: Orphanet 140162, MedGen C0027672, MeSH D009386, MONDO:0015356.
Breast-ovarian cancer, familial, susceptibility to, 4. Identifiers: Orphanet 145, MedGen C3280345, MONDO:0013669, OMIM 614291.

Submissions (5):

Labcorp Genetics (formerly Invitae), Labcorp
Classification: Uncertain significance for Breast-ovarian cancer, familial, susceptibility to, 4. Last evaluated: 2024-03-28. Review status: criteria provided, single submitter. Criteria: Invitae Variant Classification Sherloc (09022015). Collection method: clinical testing. Allele origin: germline.
Comment: This sequence change replaces serine, which is neutral and polar, with glycine, which is neutral and non-polar, at codon 257 of the RAD51D protein (p.Ser257Gly). This variant is not present in population databases (gnomAD no frequency). This variant has not been reported in the literature in individuals affected with RAD51D-related conditions. ClinVar contains an entry for this variant (Variation ID: 628572). Advanced modeling of protein sequence and biophysical properties (such as structural, functional, and spatial information, amino acid conservation, physicochemical variation, residue mobility, and thermodynamic stability) performed at Invitae indicates that this missense variant is not expected to disrupt RAD51D protein function with a negative predictive value of 80%. In summary, the available evidence is currently insufficient to determine the role of this variant in disease. Therefore, it has been classified as a Variant of Uncertain Significance.

Ambry Genetics
Classification: Likely benign for Hereditary cancer-predisposing syndrome. Last evaluated: 2024-02-26. Review status: criteria provided, single submitter. Criteria: Ambry Variant Classification Scheme 2023. Collection method: clinical testing. Allele origin: germline.

Color Diagnostics, LLC DBA Color Health
Classification: Uncertain significance for Hereditary cancer-predisposing syndrome. Last evaluated: 2023-09-19. Review status: criteria provided, single submitter. Criteria: ACMG Guidelines, 2015. Collection method: clinical testing. Allele origin: germline.
Comment: This missense variant replaces serine with glycine at codon 257 in the RAD51D protein. Computational prediction suggests that this variant may not impact protein structure and function (internally defined REVEL score threshold <= 0.5, PMID: 27666373). To our knowledge, functional studies have not been reported for this variant. This variant has not been reported in individuals affected with RAD51D-related disorders in the literature. This variant has not been identified in the general population by the Genome Aggregation Database (gnomAD). The available evidence is insufficient to determine the role of this variant in disease conclusively. Therefore, this variant is classified as a Variant of Uncertain Significance.

Baylor Genetics
Classification: Uncertain significance for Breast-ovarian cancer, familial, susceptibility to, 4. Last evaluated: 2023-06-02. Review status: criteria provided, single submitter. Criteria: ACMG Guidelines, 2015. Collection method: clinical testing. Allele origin: unknown.

Women's Health and Genetics/Laboratory Corporation of America, LabCorp
Classification: Uncertain significance. Last evaluated: 2018-09-28. Review status: criteria provided, single submitter. Criteria: LabCorp Variant Classification Summary - May 2015. Collection method: clinical testing. Allele origin: germline.
Comment: Variant summary: RAD51D c.769A>G (p.Ser257Gly) results in a non-conservative amino acid change, located in the C-terminal subdomain of the AAA+ ATPase domain (IPR003593) that is less conserved across AAA+ proteins (InterPro). Four of five in-silico tools predict a benign effect of the variant on protein function. The variant was absent in 246106 control chromosomes (gnomAD). The available data on variant occurrences in the general population are insufficient to allow any conclusion about variant significance. To our knowledge, no occurrence of c.769A>G in individuals affected with Hereditary Breast and Ovarian Cancer and no experimental evidence demonstrating its impact on protein function have been reported. No clinical diagnostic laboratories have submitted clinical-significance assessments for this variant to ClinVar after 2014. Based on the evidence outlined above, the variant was classified as uncertain significance.

NM_002878.4(RAD51D):c.769A>G (p.Ser257Gly)

Genes: RAD51L3-RFFL (RAD51L3-RFFL readthrough; minus strand), RAD51D (RAD51 paralog D; minus strand). Cytogenetic location: 17q12.
Variant type: single nucleotide variant.
Coding change: c.769A>G on transcript NM_002878.4 (MANE Select); coding-DNA position 769, A replaced by G.
Protein change: p.Ser257Gly; replaces serine 257 with glycine.
Molecular consequence: missense variant. On other transcripts: non-coding transcript variant (3).
Genome position (GRCh38, 1-based): chr17:35,101,335, T>C on the plus strand (A>G on the coding strand, the complement: RAD51D is on the minus strand). VCF-style: chr17-35101335-T-C. GRCh37 (hg19) VCF-style: chr17-33428354-T-C.
Other names: c.829A>G, p.Ser277Gly (NM_001142571.2); c.433A>G, p.Ser145Gly (NM_133629.3); short protein forms S257G, S145G, S277G.
Identifiers: ClinVar variation 628572 (VCV000628572.11), dbSNP rs1567724999, ClinGen allele CA399086935.